The following is an entry in ClinVar:

NM_147191.1(MMP21):c.375G>A (p.Pro125=)

Gene: MMP21 (matrix metallopeptidase 21; minus strand). Cytogenetic location: 10q26.2.
Variant type: single nucleotide variant.
Coding change: c.375G>A on transcript NM_147191.1 (MANE Select); coding-DNA position 375, G replaced by A.
Protein change: p.Pro125=; no amino-acid change (proline 125 retained).
Molecular consequence: synonymous variant.
Genome position (GRCh38, 1-based): chr10:125,774,153, C>T on the plus strand (G>A on the coding strand, the complement: MMP21 is on the minus strand). VCF-style: chr10-125774153-C-T. GRCh37 (hg19) VCF-style: chr10-127462722-C-T.
Identifiers: ClinVar variation 3039143 (VCV003039143.2), dbSNP rs779239125, ClinGen allele CA5738211.

ClinVar aggregate classification (germline): Likely benign (0 of 4 stars; one submission).

Conditions:
MMP21-related disorder. Also called: MMP21-related condition.

Allele frequency attached by ClinVar (database versions not stated): gnomAD exomes below 0.00001; gnomAD 0.00003; TOPMed 0.00014.
gnomAD v4.1: 8 of 1,275,532 alleles (0.00063%); highest among the groups gnomAD compares: Admixed American, 0.017%; no homozygotes.

Submission:

PreventionGenetics, part of Exact Sciences
Classification: Likely benign for MMP21-related condition. Last evaluated: 2019-04-15. Review status: no assertion criteria provided. Collection method: clinical testing. Allele origin: germline.
Comment: This variant is classified as likely benign based on ACMG/AMP sequence variant interpretation guidelines (Richards et al. 2015 PMID: 25741868, with internal and published modifications).